The following is an entry in ClinVar:

NM_001292063.2(OTOG):c.4374G>T (p.Trp1458Cys)

Gene: OTOG (otogelin; plus strand). Cytogenetic location: 11p15.1.
Variant type: single nucleotide variant.
Coding change: c.4374G>T on transcript NM_001292063.2 (MANE Select); coding-DNA position 4374, G replaced by T.
Protein change: p.Trp1458Cys; replaces tryptophan 1458 with cysteine.
Molecular consequence: missense variant.
Genome position (GRCh38, 1-based): chr11:17,609,674, G>T. VCF-style: chr11-17609674-G-T. GRCh37 (hg19) VCF-style: chr11-17631221-G-T.
Other names: c.4410G>T, p.Trp1470Cys (NM_001277269.2); short protein forms W1458C, W1470C.
Identifiers: ClinVar variation 1963531 (VCV001963531.5), dbSNP rs1369357568, ClinGen allele CA379795414.

ClinVar aggregate classification (germline): Uncertain significance (1 of 4 stars; one submission).

Allele frequency attached by ClinVar (database versions not stated): TOPMed 0.00003; gnomAD 0.00004; 1000 Genomes Project 30x 0.00016.
gnomAD v4.1: 8 of 1,495,072 alleles (0.00054%); highest among the groups gnomAD compares: African/African-American, 0.011%; no homozygotes.

Submission:

Labcorp Genetics (formerly Invitae), Labcorp
Classification: Uncertain significance. Last evaluated: 2022-05-04. Review status: criteria provided, single submitter. Criteria: Invitae Variant Classification Sherloc (09022015). Collection method: clinical testing. Allele origin: germline.
Comment: In summary, the available evidence is currently insufficient to determine the role of this variant in disease. Therefore, it has been classified as a Variant of Uncertain Significance. Algorithms developed to predict the effect of missense changes on protein structure and function (SIFT, PolyPhen-2, Align-GVGD) all suggest that this variant is likely to be tolerated. This variant has not been reported in the literature in individuals affected with OTOG-related conditions. The frequency data for this variant in the population databases is considered unreliable, as metrics indicate poor data quality at this position in the gnomAD database. This sequence change replaces tryptophan, which is neutral and slightly polar, with cysteine, which is neutral and slightly polar, at codon 1470 of the OTOG protein (p.Trp1470Cys).